The following continues an entry in ClinVar:

NM_002834.5(PTPN11):c.923A>G (p.Asn308Ser)

Gene: PTPN11. ClinVar aggregate classification (germline): Pathogenic. Pathogenic (35). ClinVar aggregate classification (oncogenicity): Likely oncogenic.

Submissions 18 to 35 of 47:

Genetics and Molecular Pathology, SA Pathology
Classification: Pathogenic for Noonan syndrome 1. Last evaluated: 2021-05-31. Review status: criteria provided, single submitter. Criteria: ACMG Guidelines, 2015. Collection method: clinical testing. Allele origin: germline. Inheritance: Autosomal dominant inheritance. Affected: yes.
Comment: The PTPN11 c.923A>G variant is classified as a PATHOGENIC variant (PS1, PS3, PS4, PP3) The variant is a single nucleotide change from an adenine to a guanine at position 923 which is predicted to change the Asparagine at position 308 in the protein to Serine. The variant is in exon 8 and is located in protein domains: protein-tyrosine phosphatase (receptor/non-receptor type) of the PTPN11 gene. This variant is a recurrent PTPN11 variant, previously reported in on patient in our laboratory and in multiple individuals with Noonan syndrome across multiple publications, including Tartaglia et al., 2002 (PMID: 11992261) (PS4). This variant is in dbSNP (rs121918455) but is absent from population databases. Other variants at this codon (p.Asn308Asp, p.Asn308Thr) have been previously reported in individuals with Noonan syndrome and are considered pathogenic (PS1). In vitro functional studies have shown that this variant alters substrate specificity and increased catalytic activity relative to the wildtype protein (PMID:15987685) (PS3). The vaviants has been reported in ClinVar (Variation ID: 13327) and HGMD (Accession: CM021135) as pathogenic. Computational predictions support a deleterious effect on the gene or gene product (PP3).

Department of Genetics, Rouen University Hospital, Normandy Center for Genomic and Personalized Medicine
Classification: Pathogenic for Noonan syndrome 1. Last evaluated: 2020-12-03. Review status: criteria provided, single submitter. Criteria: ACMG Guidelines, 2015. Collection method: clinical testing. Allele origin: de novo. Affected: yes.

Genome Diagnostics Laboratory, The Hospital for Sick Children
Classification: Pathogenic for Noonan syndrome and Noonan-related syndrome. Last evaluated: 2020-03-07. Review status: criteria provided, single submitter. Criteria: ACMG Guidelines, 2015. Collection method: clinical testing. Allele origin: germline. Affected: yes.

Rady Children's Institute for Genomic Medicine, Rady Children's Hospital San Diego
Classification: Pathogenic for PTPN11 Related Disorders. Last evaluated: 2020-03-05. Review status: criteria provided, single submitter. Criteria: ACMG Guidelines, 2015. Collection method: clinical testing. Allele origin: germline. Affected: yes.
Comment: This variant has been observed as a heterozygous change in multiple individuals with Noonan Syndrome and shown to segregate with disease in several families (PMID: 11992261, 20718194, 25912702, 24451042, 29907801). Functional studies of p.Asn308Ser have shown that it alters substrate specificity at the catalytic site (PMID: 15987685). A different missense substitution at this codon (p.Asn308Asp) has also been determined to be pathogenic (PMID: 11992261). ClinVar contains an entry for this variant (Variation ID: 13327).It is absent from the ExAC and gnomAD population databases and thus is presumed to be rare. In silico tools used to predict the effect of this variant on protein function yield discordant results. Based on the available evidence, the c.923A>G, p.Asn308Ser variant is classified as Pathogenic.

Baylor Genetics
Classification: Pathogenic for Noonan syndrome 1. Last evaluated: 2020-02-07. Review status: criteria provided, single submitter. Criteria: ACMG Guidelines, 2015. Collection method: clinical testing. Allele origin: unknown. Affected: yes.
Comment: This variant was determined to be pathogenic according to ACMG Guidelines, 2015 [PMID:25741868].

Equipe Genetique des Anomalies du Developpement, Université de Bourgogne
Classification: Pathogenic for Noonan syndrome 1; LEOPARD syndrome 1. Last evaluated: 2019-06-27. Review status: criteria provided, single submitter. Criteria: ACMG Guidelines, 2015. Collection method: clinical testing. Allele origin: de novo. Affected: yes.

Center for Human Genetics, Inc
Classification: Pathogenic for Noonan syndrome 1. Last evaluated: 2016-11-01. Review status: criteria provided, single submitter. Criteria: ACMG Guidelines, 2015. Collection method: clinical testing. Allele origin: germline. Affected: yes.

Molecular Genetics Laboratory, BC Children's and BC Women's Hospitals
Classification: Pathogenic for Noonan syndrome 1. Last evaluated: 2016-05-25. Review status: criteria provided, single submitter. Criteria: ACMG Guidelines, 2015. Collection method: clinical testing. Allele origin: de novo. Affected: yes.

Women's Health and Genetics/Laboratory Corporation of America, LabCorp
Classification: Pathogenic for Noonan syndrome 3. Last evaluated: 2016-05-23. Review status: criteria provided, single submitter. Criteria: LabCorp Variant Classification Summary - May 2015. Collection method: clinical testing. Allele origin: germline.
Comment: Variant summary: The PTPN11 c.923A>G (p.Asn308Ser) variant involves the alteration of a conserved nucleotide. Residue Asn308 is buried within the PTP domain, and is reported as the most common residue affected in NS patients(N308D and N308S). 3/4 in silico tools predict a benign outcome for this variant (SNPs&GO not captured due to low reliability index). However, functional assays suggest that this variant alters substrate specificity (Keilhack_JBC_2005), and N308S SHP-2-expressing fetal liver cells also displayed a hypersensitive pattern of CFU-GM colony growth in response to GM-CSF (Schubbert_Blood_2005). This variant has been reported in numerous patients with NS and related conditions and was absent in 122002 control chromosomes. In addition, multiple clinical diagnostic laboratories/reputable databases classified this variant as pathogenic. Taken together, this variant is classified as pathogenic.

Centre for Mendelian Genomics, University Medical Centre Ljubljana
Classification: Pathogenic for LEOPARD syndrome 1. Last evaluated: 2016-01-01. Review status: criteria provided, single submitter. Criteria: ACMG Guidelines, 2015. Collection method: clinical testing. Allele origin: unknown. Affected: yes.
Comment: This variant was classified as: Pathogenic. The following ACMG criteria were applied in classifying this variant: PS1,PS3,PM1,PM2,PP2,PP4.

Center of Genomic medicine, Geneva, University Hospital of Geneva
Classification: Pathogenic for Noonan syndrome 1. Last evaluated: 2015-09-04. Review status: criteria provided, single submitter. Criteria: ACMG Guidelines, 2015. Collection method: clinical testing. Allele origin: germline. Affected: yes. Study: Final Reports_Cases2015_1.

Molecular Diagnostics Lab, Nemours Children's Health, Delaware
Classification: Pathogenic. Last evaluated: 2015-08-05. Review status: criteria provided, single submitter. Criteria: ACMG Guidelines, 2015. Collection method: clinical testing. Allele origin: unknown. Affected: yes. Observed: 1 variant allele.

Eurofins Ntd Llc (ga)
Classification: Pathogenic. Last evaluated: 2015-06-25. Review status: criteria provided, single submitter. Criteria: EGL Classification Definitions 2015. Collection method: clinical testing. Allele origin: germline. Observed: 1 variant allele, 1 heterozygote.

Laboratory for Molecular Medicine, Mass General Brigham Personalized Medicine
Classification: Pathogenic for Noonan syndrome. Last evaluated: 2013-09-13. Review status: criteria provided, single submitter. Criteria: LMM Criteria. Collection method: clinical testing. Allele origin: germline. Inheritance: Autosomal dominant inheritance. Observed: 48 variant alleles.
Comment: The p.Asn308Ser variant has previously been associated with the clinical feature s of Noonan syndrome and Noonan syndrome associated with multiple giant-cell les ions in bone (Ko 2008, Tartaglia 2002, Pierpont 2009, Sarkozy 2003, Tartaglia 20 05). This variant has been observed to have occurred de novo in sporadic cases a nd to segregate with clinical features in familial cases. Variants affecting pos ition 308 (p.Asn308Ser and p.Asn308Asp) are the most frequently identified patho genic PTPN11 mutations in individuals with clinical features of Noonan syndrome in our laboratory. In summary, this variant meets our criteria to be classified as pathogenic based upon seg regation studies, de novo occurrence, and absence from controls.

Athena Diagnostics
Classification: Pathogenic. Last evaluated: 2013-07-29. Review status: criteria provided, single submitter. Criteria: Athena Diagnostics Criteria. Collection method: clinical testing. Allele origin: germline.

Clinical Genetics Service, Universitary Hospital 12 de Octubre
Classification: Pathogenic for Noonan syndrome 1. Review status: criteria provided, single submitter. Criteria: ACMG Guidelines, 2015. Collection method: clinical testing. Allele origin: germline. Affected: yes.

Donald Williams Parsons Laboratory, Baylor College of Medicine
Classification: Pathogenic for Noonan-Syndrome. Review status: criteria provided, single submitter. Criteria: Parsons' et. al 2016. Collection method: clinical testing. Allele origin: germline. Affected: yes. Observed: 1 heterozygote. Study: CSER-BASIC3.
Comment: PTPN11 c.923A>G (p.N308S) is a well-described alteration in patients with Noonan syndrome (Tartaglia et al. 2002).

Institute for Genomic Statistics and Bioinformatics, University Hospital Bonn
Classification: Pathogenic for Noonan syndrome 1. Review status: criteria provided, single submitter. Criteria: ACMG Guidelines, 2015. Collection method: clinical testing. Allele origin: unknown. Affected: yes. Observed: 1 variant allele.